The following is an entry in ClinVar:

NM_001134831.2(AHI1):c.3039G>A (p.Gln1013=)

Gene: AHI1 (Abelson helper integration site 1; minus strand). Cytogenetic location: 6q23.3.
Variant type: single nucleotide variant.
Coding change: c.3039G>A on transcript NM_001134831.2 (MANE Select); coding-DNA position 3039, G replaced by A.
Protein change: p.Gln1013=; no amino-acid change (glutamine 1013 retained).
Molecular consequence: synonymous variant.
Genome position (GRCh38, 1-based): chr6:135,394,846, C>T on the plus strand (G>A on the coding strand, the complement: AHI1 is on the minus strand). VCF-style: chr6-135394846-C-T. GRCh37 (hg19) VCF-style: chr6-135715984-C-T.
Other names: c.3039G>A, p.Gln1013= (NM_001134830.2, NM_001134832.2, NM_001350503.2 and 2 more transcripts).
Identifiers: ClinVar variation 260853 (VCV000260853.33), dbSNP rs142381345, ClinGen allele CA4012183.

ClinVar aggregate classification (germline): Benign/Likely benign. Review status: criteria provided, multiple submitters, no conflicts (2 of 4 stars). 10 submissions from 10 submitters: Benign (2); Likely benign (6). 2 of the submissions do not count toward it. Last evaluated 2026-07-01.

Conditions:
Joubert syndrome 3 (JBTS3). Also called: AHI1-related Ciliopathy. Identifiers: Orphanet 220493, MedGen C1837713, MONDO:0012078, OMIM 608629.
Joubert syndrome. Also called: Familial aplasia of the vermis; JOUBERT-BOLTSHAUSER SYNDROME. Identifiers: Orphanet 475, MedGen C5979921, MONDO:0018772.

Allele frequency attached by ClinVar (database versions not stated): ExAC 0.00083; ESP Exome Variant Server 0.00125; TOPMed 0.00171; gnomAD 0.00194; 1000 Genomes Project 0.00260; 1000 Genomes Project 30x 0.00281.
gnomAD v4.1: 561 of 1,606,410 alleles (0.035%); highest among the groups gnomAD compares: African/African-American, 0.51%; 2 homozygotes.

Submissions (10):

CeGaT Center for Human Genetics Tuebingen
Classification: Likely benign. Last evaluated: 2026-07-01. Review status: criteria provided, single submitter. Criteria: CeGaT Center For Human Genetics Tuebingen Variant Classification Criteria Version 2. Collection method: clinical testing. Allele origin: germline. Affected: yes. Observed: 3 variant alleles.
Comment: AHI1: BP4, BP7

Labcorp Genetics (formerly Invitae), Labcorp
Classification: Benign for Joubert syndrome. Last evaluated: 2026-01-28. Review status: criteria provided, single submitter. Criteria: Invitae Variant Classification Sherloc (09022015). Collection method: clinical testing. Allele origin: germline.

Blueprint Genetics
Classification: Likely benign. Last evaluated: 2024-08-20. Review status: criteria provided, single submitter. Criteria: ACMG Guidelines, 2015. Collection method: clinical testing. Allele origin: germline.

GeneDx
Classification: Likely benign. Last evaluated: 2021-09-15. Review status: criteria provided, single submitter. Criteria: GeneDx Variant Classification Process June 2021. Collection method: clinical testing. Allele origin: germline. Affected: yes.

Illumina Laboratory Services, Illumina
Classification: Likely benign for Joubert syndrome 3. Last evaluated: 2018-01-13. Review status: criteria provided, single submitter. Criteria: ICSL Variant Classification Criteria 13 December 2019. Collection method: clinical testing. Allele origin: germline.
Comment: This variant was observed in the ICSL laboratory as part of a predisposition screen in an ostensibly healthy population. It had not been previously curated by ICSL or reported in the Human Gene Mutation Database (HGMD: prior to June 1st, 2018), and was therefore a candidate for classification through an automated scoring system. Utilizing variant allele frequency, disease prevalence and penetrance estimates, and inheritance mode, an automated score was calculated to assess if this variant is too frequent to cause the disease. Based on the score and internal cut-off values, a variant classified as likely benign is not then subjected to further curation. The score for this variant resulted in a classification of likely benign for this disease.

Eurofins Ntd Llc (ga)
Classification: Benign. Last evaluated: 2015-06-23. Review status: criteria provided, single submitter. Criteria: EGL Classification Definitions 2015. Collection method: clinical testing. Allele origin: germline. Observed: 1 variant allele, 1 heterozygote.

Breakthrough Genomics
Classification: Likely benign. Review status: criteria provided, single submitter. Criteria: ACMG Guidelines, 2015. Collection method: not provided. Allele origin: germline. Inheritance: Autosomal recessive inheritance. Affected: yes.

PreventionGenetics, part of Exact Sciences
Classification: Likely benign. Review status: criteria provided, single submitter. Criteria: ACMG Guidelines, 2015. Collection method: clinical testing. Allele origin: germline.

Clinical Genetics, Academic Medical Center
Classification: Benign. Review status: no assertion criteria provided. Collection method: clinical testing. Allele origin: germline. Affected: yes. Study: VKGL Data-share Consensus. Not counted in ClinVar's aggregate classification.

Genome Diagnostics Laboratory, University Medical Center Utrecht
Classification: Likely benign. Review status: no assertion criteria provided. Collection method: clinical testing. Allele origin: germline. Affected: yes. Study: VKGL Data-share Consensus. Not counted in ClinVar's aggregate classification.